The following is an entry in ClinVar:

ClinVar aggregate classification (germline): Likely pathogenic (1 of 4 stars; one submission).

Conditions:
Inflammatory bowel disease 25. Also called: Inflammatory bowel disease 25, early onset, autosomal recessive. Identifiers: Orphanet 238569, MedGen C2675508, MONDO:0012941, OMIM 612567.

Submission:

Labcorp Genetics (formerly Invitae), Labcorp
Classification: Likely pathogenic for Inflammatory bowel disease 25. Last evaluated: 2025-01-12. Review status: criteria provided, single submitter. Criteria: Invitae Variant Classification Sherloc (09022015). Collection method: clinical testing. Allele origin: germline.
Comment: This sequence change affects a donor splice site in intron 3 of the IL10RB gene. It is expected to disrupt RNA splicing. Variants that disrupt the donor or acceptor splice site typically lead to a loss of protein function (PMID: 16199547), and loss-of-function variants in IL10RB are known to be pathogenic (PMID: 22549091). This variant is not present in population databases (gnomAD no frequency). This variant has not been reported in the literature in individuals affected with IL10RB-related conditions. Algorithms developed to predict the effect of sequence changes on RNA splicing suggest that this variant may disrupt the consensus splice site. In summary, the currently available evidence indicates that the variant is pathogenic, but additional data are needed to prove that conclusively. Therefore, this variant has been classified as Likely Pathogenic.

Literature cited by the submitters: PubMed 16199547; PubMed 22549091.

NM_000628.5(IL10RB):c.331+1G>A

Genes: IL10RB (interleukin 10 receptor subunit beta; plus strand), IFNAR2-IL10RB (IFNAR2-IL10RB readthrough; plus strand). Cytogenetic location: 21q22.11.
Variant type: single nucleotide variant.
Coding change: c.331+1G>A on transcript NM_000628.5 (MANE Select); the canonical splice donor site of the intron after coding-DNA position 331, G replaced by A.
Molecular consequence: splice donor variant.
Genome position (GRCh38, 1-based): chr21:33,276,754, G>A. VCF-style: chr21-33276754-G-A. GRCh37 (hg19) VCF-style: chr21-34649059-G-A.
Other names: c.991+1G>A (NM_001414505.1); c.331+1G>A (NM_001405849.1, NM_001405850.1, NM_001406840.1).
Identifiers: ClinVar variation 3728868 (VCV003728868.2).